The following is an entry in ClinVar:

NM_005869.4(CWC27):c.938+3349C>T

Gene: CWC27 (CWC27 spliceosome associated cyclophilin; plus strand). Cytogenetic location: 5q12.3.
Variant type: single nucleotide variant.
Coding change: c.938+3349C>T on transcript NM_005869.4 (MANE Select); 3349 bases into the intron after coding-DNA position 938, C replaced by T.
Molecular consequence: intron variant. On other transcripts: missense variant (1).
Genome position (GRCh38, 1-based): chr5:64,807,735, C>T. VCF-style: chr5-64807735-C-T. GRCh37 (hg19) VCF-style: chr5-64103562-C-T.
Other names: c.1075C>T, p.Arg359Cys (NM_001297645.2); c.938+3349C>T (NM_001297644.1, NM_001364478.1, NM_001318000.2); short protein forms R359C.
Identifiers: ClinVar variation 3043591 (VCV003043591.3), dbSNP rs113547129, ClinGen allele CA3282143.

ClinVar aggregate classification (germline): Likely benign. Review status: criteria provided, single submitter (1 of 4 stars). 2 submissions from 2 submitters: Likely benign (1). 1 of the submissions does not count toward it. Last evaluated 2024-09-20.

Conditions:
CWC27-related disorder. Also called: CWC27-related condition.

Allele frequency attached by ClinVar (database versions not stated): gnomAD exomes 0.00043; ExAC 0.00097; 1000 Genomes Project 0.00399; 1000 Genomes Project 30x 0.00406; gnomAD 0.00408; TOPMed 0.00473.
gnomAD v4.1: 1,278 of 1,535,828 alleles (0.083%); highest among the groups gnomAD compares: African/African-American, 1.4%; 7 homozygotes.

Submissions (2):

Blueprint Genetics
Classification: Likely benign. Last evaluated: 2024-09-20. Review status: criteria provided, single submitter. Criteria: ACMG Guidelines, 2015. Collection method: clinical testing. Allele origin: germline.

PreventionGenetics, part of Exact Sciences
Classification: Benign for CWC27-related condition. Last evaluated: 2019-06-07. Review status: no assertion criteria provided. Collection method: clinical testing. Allele origin: germline. Not counted in ClinVar's aggregate classification.
Comment: This variant is classified as benign based on ACMG/AMP sequence variant interpretation guidelines (Richards et al. 2015 PMID: 25741868, with internal and published modifications).